The following is an entry in ClinVar:

ClinVar aggregate classification (germline): Likely benign. Review status: criteria provided, multiple submitters, no conflicts (2 of 4 stars). 4 submissions from 4 submitters: Likely benign (4). Last evaluated 2026-01-19.

Conditions:
Cardiomyopathy (CMYO). Also called: Cardiomyopathies. Identifiers: Orphanet 167848, MedGen C0878544, MONDO:0004994, HP:0001638. Inheritance: Various modes of inheritance.
Catecholaminergic polymorphic ventricular tachycardia 1. Also called: VENTRICULAR TACHYCARDIA, CATECHOLAMINERGIC POLYMORPHIC, 1, WITH OR WITHOUT ATRIAL DYSFUNCTION AND/OR DILATED CARDIOMYOPATHY; RYR2-Related Catecholaminergic Polymorphic Ventricular Tachycardia; VENTRICULAR TACHYCARDIA, STRESS-INDUCED POLYMORPHIC 1. Identifiers: Orphanet 3286, MedGen C1631597, MONDO:0011484, OMIM 604772.
Cardiovascular phenotype. Identifiers: MedGen CN230736.
Catecholaminergic polymorphic ventricular tachycardia (CVPT). Also called: Catecholamine-induced polymorphic ventricular tachycardia. Identifiers: Orphanet 3286, MedGen C5574922, MONDO:0017990.

Allele frequency attached by ClinVar (database versions not stated): gnomAD 0.00005; gnomAD exomes 0.00011 and 0.00002; TOPMed 0.00014; 1000 Genomes Project 30x 0.00016; 1000 Genomes Project 0.00020; ExAC 0.00023.
gnomAD v4.1: 38 of 1,608,686 alleles (0.0024%); highest among the groups gnomAD compares: East Asian, 0.083%; 1 homozygote.

Submissions (4):

Labcorp Genetics (formerly Invitae), Labcorp
Classification: Likely benign for Catecholaminergic polymorphic ventricular tachycardia 1. Last evaluated: 2026-01-19. Review status: criteria provided, single submitter. Criteria: Invitae Variant Classification Sherloc (09022015). Collection method: clinical testing. Allele origin: germline.

All of Us Research Program, National Institutes of Health
Classification: Likely benign for Catecholaminergic polymorphic ventricular tachycardia. Last evaluated: 2023-12-18. Review status: criteria provided, single submitter. Criteria: ACMG Guidelines, 2015. Collection method: clinical testing. Allele origin: germline. Inheritance: Autosomal dominant inheritance. Observed: 2 variant alleles, 2 heterozygotes.
Comment: This study involves interpretation of variants in research participants for the purpose of population health screening. Participant phenotype was not available at the time of variant classification. Additional details can be found in publication PMID: 35346344, PMCID: PMC8962531

Ambry Genetics
Classification: Likely benign for Cardiovascular phenotype. Last evaluated: 2023-01-17. Review status: criteria provided, single submitter. Criteria: Ambry Variant Classification Scheme 2023. Collection method: clinical testing. Allele origin: germline.

Color Diagnostics, LLC DBA Color Health
Classification: Likely benign for Cardiomyopathy. Last evaluated: 2018-11-18. Review status: criteria provided, single submitter. Criteria: ACMG Guidelines, 2015. Collection method: clinical testing. Allele origin: germline.

Literature cited by the submitters: PubMed 28404607 (cited by Ambry Genetics).

NM_001035.3(RYR2):c.2410C>T (p.Leu804Phe)

Gene: RYR2 (ryanodine receptor 2; plus strand). Cytogenetic location: 1q43.
Variant type: single nucleotide variant.
Coding change: c.2410C>T on transcript NM_001035.3 (MANE Select); coding-DNA position 2410, C replaced by T.
Protein change: p.Leu804Phe; replaces leucine 804 with phenylalanine.
Molecular consequence: missense variant.
Genome position (GRCh38, 1-based): chr1:237,503,302, C>T. VCF-style: chr1-237503302-C-T. GRCh37 (hg19) VCF-style: chr1-237666602-C-T.
Other names: c.2410C>T, p.Leu804Phe (LRG_402t1); short protein forms L804F.
Identifiers: ClinVar variation 532409 (VCV000532409.16), dbSNP rs577451406, ClinGen allele CA086045.
Genomic context (GRCh38, chr1:237,503,302, plus strand): 5'-TAATGTACACCAGAGATAAAATTGACTCTAACGTGCATCCTCTTTAGAGTACGCTTTCTG[C>T]TTGGAGGGCGACATGGAGAATTCAAATTTCTTCCTCCACCTGGGTATGCTCCTTGTTATG-3'
Protein context (NP_001026.2, residues 794-814): FSAGIKVRFL[Leu804Phe]GGRHGEFKFL